The following is an entry in ClinVar:

NM_012203.2(GRHPR):c.374G>A (p.Arg125Gln)

Gene: GRHPR (glyoxylate and hydroxypyruvate reductase; plus strand). Cytogenetic location: 9p13.2.
Variant type: single nucleotide variant.
Coding change: c.374G>A on transcript NM_012203.2 (MANE Select); coding-DNA position 374, G replaced by A.
Protein change: p.Arg125Gln; replaces arginine 125 with glutamine.
Molecular consequence: missense variant.
Genome position (GRCh38, 1-based): chr9:37,426,624, G>A. VCF-style: chr9-37426624-G-A. GRCh37 (hg19) VCF-style: chr9-37426621-G-A.
Other names: short protein forms R125Q.
Identifiers: ClinVar variation 915248 (VCV000915248.8), dbSNP rs199560759, ClinGen allele CA5059021.
Genomic context (GRCh38, chr9:37,426,624, plus strand): 5'-ATGTCCTGACAGATACCACCGCCGAACTCGCAGTCTCCCTGCTACTTACCACCTGCCGCC[G>A]GTTGCCGGAGGCCATCGAGGAAGTGAAGAAGTAAGTGAACGCAGACCAGGTGCGGTGGCT-3'
Protein context (NP_036335.1, residues 115-135): AVSLLLTTCR[Arg125Gln]LPEAIEEVKN

ClinVar aggregate classification (germline): Conflicting classifications of pathogenicity. Review status: criteria provided, conflicting classifications (1 of 4 stars). 5 submissions from 5 submitters: Likely pathogenic (1); Uncertain significance (4). Last evaluated 2024-11-22.

Conditions:
Primary hyperoxaluria, type II (HP2). Also called: Primary hyperoxaluria type 2; D-GLYCERATE DEHYDROGENASE DEFICIENCY; GLYCERIC ACIDURIA; GLYOXYLATE REDUCTASE/HYDROXYPYRUVATE REDUCTASE DEFICIENCY; OXALOSIS II. Identifiers: Orphanet 416, Orphanet 93599, MedGen C0268165, MONDO:0009824, OMIM 260000. Disease mechanism: loss of function.
GRHPR-related disorders.

Allele frequency attached by ClinVar (database versions not stated): ExAC 0.00022; gnomAD 0.00024 and 0.00026; gnomAD exomes 0.00025 and 0.00030; TOPMed 0.00033; ESP Exome Variant Server 0.00038; 1000 Genomes Project 30x 0.00047; 1000 Genomes Project 0.00060.
gnomAD v4.1: 418 of 1,612,374 alleles (0.026%); highest among the groups gnomAD compares: Middle Eastern, 0.066%; no homozygotes.

Submissions (5):

Blueprint Genetics
Classification: Likely pathogenic for GRHPR-related disorders. Last evaluated: 2024-11-22. Review status: criteria provided, single submitter. Criteria: ACMG Guidelines, 2015. Collection method: clinical testing. Allele origin: germline. Affected: yes. Observed: 5 variant alleles.

Fulgent Genetics
Classification: Uncertain significance for Primary hyperoxaluria, type II. Last evaluated: 2024-02-14. Review status: criteria provided, single submitter. Criteria: ACMG Guidelines, 2015. Collection method: clinical testing. Allele origin: germline.

Labcorp Genetics (formerly Invitae), Labcorp
Classification: Uncertain significance. Last evaluated: 2022-06-16. Review status: criteria provided, single submitter. Criteria: Invitae Variant Classification Sherloc (09022015). Collection method: clinical testing. Allele origin: germline.
Comment: This sequence change replaces arginine, which is basic and polar, with glutamine, which is neutral and polar, at codon 125 of the GRHPR protein (p.Arg125Gln). This variant is present in population databases (rs199560759, gnomAD 0.09%). This variant has not been reported in the literature in individuals affected with GRHPR-related conditions. ClinVar contains an entry for this variant (Variation ID: 915248). Algorithms developed to predict the effect of missense changes on protein structure and function are either unavailable or do not agree on the potential impact of this missense change (SIFT: "Deleterious"; PolyPhen-2: "Probably Damaging"; Align-GVGD: "Class C0"). Algorithms developed to predict the effect of sequence changes on RNA splicing suggest that this variant may create or strengthen a splice site. In summary, the available evidence is currently insufficient to determine the role of this variant in disease. Therefore, it has been classified as a Variant of Uncertain Significance.

Baylor Genetics
Classification: Uncertain significance for Primary hyperoxaluria, type II. Last evaluated: 2018-10-28. Review status: criteria provided, single submitter. Criteria: ACMG Guidelines, 2015. Collection method: clinical testing. Allele origin: paternal. Affected: yes.
Comment: This variant was determined to be of uncertain significance according to ACMG Guidelines, 2015 [PMID:25741868].

Illumina Laboratory Services, Illumina
Classification: Uncertain significance for Primary hyperoxaluria, type II. Last evaluated: 2018-01-12. Review status: criteria provided, single submitter. Criteria: ICSL Variant Classification Criteria 13 December 2019. Collection method: clinical testing. Allele origin: germline.